The following is an entry in ClinVar:

NM_004385.5(VCAN):c.7487A>G (p.Asn2496Ser)

Genes: VCAN (versican; plus strand), VCAN-AS1 (VCAN antisense RNA 1; minus strand). Cytogenetic location: 5q14.3.
Variant type: single nucleotide variant.
Coding change: c.7487A>G on transcript NM_004385.5 (MANE Select); coding-DNA position 7487, A replaced by G.
Protein change: p.Asn2496Ser; replaces asparagine 2496 with serine.
Molecular consequence: missense variant. On other transcripts: intron variant (2).
Genome position (GRCh38, 1-based): chr5:83,540,490, A>G. VCF-style: chr5-83540490-A-G. GRCh37 (hg19) VCF-style: chr5-82836309-A-G.
Other names: c.4526A>G, p.Asn1509Ser (NM_001164097.2); c.4004-5047A>G (NM_001164098.2); c.1043-5047A>G (NM_001126336.3); short protein forms N1509S, N2496S.
Identifiers: ClinVar variation 3715828 (VCV003715828.2).

ClinVar aggregate classification (germline): Uncertain significance (1 of 4 stars; one submission).

Submission:

Labcorp Genetics (formerly Invitae), Labcorp
Classification: Uncertain significance. Last evaluated: 2024-09-13. Review status: criteria provided, single submitter. Criteria: Invitae Variant Classification Sherloc (09022015). Collection method: clinical testing. Allele origin: germline.
Comment: This sequence change replaces asparagine, which is neutral and polar, with serine, which is neutral and polar, at codon 2496 of the VCAN protein (p.Asn2496Ser). This variant is not present in population databases (gnomAD no frequency). This variant has not been reported in the literature in individuals affected with VCAN-related conditions. An algorithm developed to predict the effect of missense changes on protein structure and function outputs the following: PolyPhen-2: "Benign". The serine amino acid residue is found in multiple mammalian species, which suggests that this missense change does not adversely affect protein function. In summary, the available evidence is currently insufficient to determine the role of this variant in disease. Therefore, it has been classified as a Variant of Uncertain Significance.